The following is an entry in ClinVar:

NM_005739.4(RASGRP1):c.2180G>A (p.Trp727Ter)

Gene: RASGRP1 (RAS guanyl releasing protein 1; minus strand). Cytogenetic location: 15q14.
Variant type: single nucleotide variant.
Coding change: c.2180G>A on transcript NM_005739.4 (MANE Select); coding-DNA position 2180, G replaced by A.
Protein change: p.Trp727Ter; replaces tryptophan 727 with a stop codon.
Molecular consequence: nonsense. On other transcripts: intron variant (1).
Genome position (GRCh38, 1-based): chr15:38,494,461, C>T on the plus strand (G>A on the coding strand, the complement: RASGRP1 is on the minus strand). VCF-style: chr15-38494461-C-T. GRCh37 (hg19) VCF-style: chr15-38786662-C-T.
Other names: c.2075G>A, p.Trp692Ter (NM_001128602.2); c.1769-3773G>A (NM_001306086.2); short protein forms W727*, W692*.
Identifiers: ClinVar variation 1381980 (VCV001381980.6), dbSNP rs2141076409, ClinGen allele CA391661867.

ClinVar aggregate classification (germline): Pathogenic (1 of 4 stars; one submission).

Submission:

Labcorp Genetics (formerly Invitae), Labcorp
Classification: Pathogenic. Last evaluated: 2022-04-26. Review status: criteria provided, single submitter. Criteria: Invitae Variant Classification Sherloc (09022015). Collection method: clinical testing. Allele origin: germline.
Comment: This sequence change creates a premature translational stop signal (p.Trp727*) in the RASGRP1 gene. It is expected to result in an absent or disrupted protein product. Loss-of-function variants in RASGRP1 are known to be pathogenic (PMID: 11017103, 27776107, 28822832). For these reasons, this variant has been classified as Pathogenic. Algorithms developed to predict the effect of sequence changes on RNA splicing suggest that this variant may create or strengthen a splice site. This variant has not been reported in the literature in individuals affected with RASGRP1-related conditions. This variant is not present in population databases (gnomAD no frequency).

Literature cited by the submitters: PubMed 11017103; PubMed 27776107; PubMed 28822832.